The following is an entry in ClinVar:

NM_021116.4(ADCY1):c.976A>G (p.Lys326Glu)

Gene: ADCY1 (adenylate cyclase 1; plus strand). Cytogenetic location: 7p12.3.
Variant type: single nucleotide variant.
Coding change: c.976A>G on transcript NM_021116.4 (MANE Select); coding-DNA position 976, A replaced by G.
Protein change: p.Lys326Glu; replaces lysine 326 with glutamic acid.
Molecular consequence: missense variant.
Genome position (GRCh38, 1-based): chr7:45,622,699, A>G. VCF-style: chr7-45622699-A-G. GRCh37 (hg19) VCF-style: chr7-45662298-A-G.
Other names: c.301A>G, p.Lys101Glu (NM_001281768.2); short protein forms K101E, K326E.
Identifiers: ClinVar variation 3644403 (VCV003644403.2).

ClinVar aggregate classification (germline): Uncertain significance (1 of 4 stars; one submission).

Submission:

Labcorp Genetics (formerly Invitae), Labcorp
Classification: Uncertain significance. Last evaluated: 2024-07-08. Review status: criteria provided, single submitter. Criteria: Invitae Variant Classification Sherloc (09022015). Collection method: clinical testing. Allele origin: germline.
Comment: This sequence change replaces lysine, which is basic and polar, with glutamic acid, which is acidic and polar, at codon 326 of the ADCY1 protein (p.Lys326Glu). This variant is not present in population databases (gnomAD no frequency). This variant has not been reported in the literature in individuals affected with ADCY1-related conditions. Advanced modeling of protein sequence and biophysical properties (such as structural, functional, and spatial information, amino acid conservation, physicochemical variation, residue mobility, and thermodynamic stability) performed at Invitae indicates that this missense variant is not expected to disrupt ADCY1 protein function with a negative predictive value of 80%. In summary, the available evidence is currently insufficient to determine the role of this variant in disease. Therefore, it has been classified as a Variant of Uncertain Significance.